The following is an entry in ClinVar:

ClinVar aggregate classification (germline): Uncertain significance (1 of 4 stars; one submission).

Conditions:
Cardiovascular phenotype. Identifiers: MedGen CN230736.

Submission:

Ambry Genetics
Classification: Uncertain significance for Cardiovascular phenotype. Last evaluated: 2025-07-09. Review status: criteria provided, single submitter. Criteria: Ambry Variant Classification Scheme 2023. Collection method: clinical testing. Allele origin: germline.
Comment: The p.R432G variant (also known as c.1294A>G), located in coding exon 8 of the LPL gene, results from an A to G substitution at nucleotide position 1294. The arginine at codon 432 is replaced by glycine, an amino acid with dissimilar properties. This amino acid position is conserved. In addition, the in silico prediction for this alteration is inconclusive. Since supporting evidence is limited at this time, the clinical significance of this alteration remains unclear.

NM_000237.3(LPL):c.1294A>G (p.Arg432Gly)

Gene: LPL (lipoprotein lipase; plus strand). Cytogenetic location: 8p21.3.
Variant type: single nucleotide variant.
Coding change: c.1294A>G on transcript NM_000237.3 (MANE Select); coding-DNA position 1294, A replaced by G.
Protein change: p.Arg432Gly; replaces arginine 432 with glycine.
Molecular consequence: missense variant.
Genome position (GRCh38, 1-based): chr8:19,961,055, A>G. VCF-style: chr8-19961055-A-G. GRCh37 (hg19) VCF-style: chr8-19818566-A-G.
Other names: short protein forms R432G.
Identifiers: ClinVar variation 2454159 (VCV002454159.3), dbSNP rs1284953889, ClinGen allele CA370638857.